The following is an entry in ClinVar:

NM_000937.5(POLR2A):c.835A>G (p.Lys279Glu)

Gene: POLR2A (RNA polymerase II subunit A; plus strand). Cytogenetic location: 17p13.1.
Variant type: single nucleotide variant.
Coding change: c.835A>G on transcript NM_000937.5 (MANE Select); coding-DNA position 835, A replaced by G.
Protein change: p.Lys279Glu; replaces lysine 279 with glutamic acid.
Molecular consequence: missense variant.
Genome position (GRCh38, 1-based): chr17:7,497,371, A>G. VCF-style: chr17-7497371-A-G. GRCh37 (hg19) VCF-style: chr17-7400690-A-G.
Other names: short protein forms K279E.
Identifiers: ClinVar variation 3370083 (VCV003370083.1).

ClinVar aggregate classification (germline): Uncertain significance (1 of 4 stars; one submission).

Submission:

GeneDx
Classification: Uncertain significance. Last evaluated: 2023-12-19. Review status: criteria provided, single submitter. Criteria: GeneDx Variant Classification Process June 2021. Collection method: clinical testing. Allele origin: germline. Affected: yes.
Comment: Not observed at significant frequency in large population cohorts (gnomAD); In silico analysis supports that this missense variant has a deleterious effect on protein structure/function; Has not been previously published as pathogenic or benign to our knowledge